The following is an entry in ClinVar:

NM_000052.7(ATP7A):c.3919C>T (p.Pro1307Ser)

Gene: ATP7A (ATPase copper transporting alpha; plus strand). Cytogenetic location: Xq21.1.
Variant type: single nucleotide variant.
Coding change: c.3919C>T on transcript NM_000052.7 (MANE Select); coding-DNA position 3919, C replaced by T.
Protein change: p.Pro1307Ser; replaces proline 1307 with serine.
Molecular consequence: missense variant. On other transcripts: non-coding transcript variant (1).
Genome position (GRCh38, 1-based): chrX:78,042,702, C>T. VCF-style: chrX-78042702-C-T. GRCh37 (hg19) VCF-style: chrX-77298200-C-T.
Other names: c.3685C>T, p.Pro1229Ser (NM_001282224.2); short protein forms P1229S, P1307S.
Identifiers: ClinVar variation 5018612 (VCV005018612.1).

ClinVar aggregate classification (germline): Uncertain significance (1 of 4 stars; one submission).

Conditions:
Menkes kinky-hair syndrome (MNK). Also called: Copper transport disease; Menkes Disease; Classic Menkes Disease. Identifiers: Orphanet 565, MedGen C0022716, MONDO:0010651, OMIM 309400.
Cutis laxa, X-linked (OHS). Also called: EDS IX; Occipital horn syndrome. Identifiers: Orphanet 198, MedGen C0268353, MONDO:0010572, OMIM 304150.
X-linked distal spinal muscular atrophy type 3. Also called: SPINAL MUSCULAR ATROPHY, DISTAL, X-LINKED RECESSIVE; ATP7A-Related Distal Motor Neuropathy; NEURONOPATHY, DISTAL HEREDITARY MOTOR, X-LINKED; NEUROPATHY, DISTAL HEREDITARY MOTOR, X-LINKED. Identifiers: Orphanet 139557, MedGen C1845359, MONDO:0010338, OMIM 300489.

Submission:

Juno Genomics, Hangzhou Juno Genomics, Inc
Classification: Uncertain significance for X-linked distal spinal muscular atrophy type 3; Menkes kinky-hair syndrome; Cutis laxa, X-linked. Review status: criteria provided, single submitter. Criteria: ACMG Guidelines, 2015. Collection method: clinical testing. Allele origin: germline. Affected: yes.
Comment: Absent from controls (or at extremely low frequency if recessive) in Genome Aggregation Database.;Multiple lines of computational evidence support a deleterious effect on the gene or gene product.